The following is an entry in ClinVar:

ClinVar aggregate classification (germline): Uncertain significance (1 of 4 stars; one submission).

Conditions:
Hereditary cancer-predisposing syndrome. Also called: Neoplastic Syndromes, Hereditary; Tumor predisposition; Hereditary neoplastic syndrome; Hereditary Cancer Syndrome. Identifiers: Orphanet 140162, MedGen C0027672, MeSH D009386, MONDO:0015356.

Submission:

Ambry Genetics
Classification: Uncertain significance for Hereditary cancer-predisposing syndrome. Last evaluated: 2026-07-06. Review status: criteria provided, single submitter. Criteria: Ambry Variant Classification Scheme 2023. Collection method: clinical testing. Allele origin: germline.
Comment: The p.P1775Q variant (also known as c.5324C>A), located in coding exon 15 of the APC gene, results from a C to A substitution at nucleotide position 5324. The proline at codon 1775 is replaced by glutamine, an amino acid with similar properties. This amino acid position is conserved. In addition, in silico predictors for this gene do not accurately predict pathogenicity. Based on the available evidence, the clinical significance of this variant remains unclear.

NM_000038.6(APC):c.5324C>A (p.Pro1775Gln)

Gene: APC (APC regulator of Wnt signaling pathway; plus strand). Cytogenetic location: 5q22.2.
Variant type: single nucleotide variant.
Coding change: c.5324C>A on transcript NM_000038.6 (MANE Select); coding-DNA position 5324, C replaced by A.
Protein change: p.Pro1775Gln; replaces proline 1775 with glutamine.
Molecular consequence: missense variant. On other transcripts: non-coding transcript variant (2).
Genome position (GRCh38, 1-based): chr5:112,840,918, C>A. VCF-style: chr5-112840918-C-A. GRCh37 (hg19) VCF-style: chr5-112176615-C-A.
Other names: c.5324C>A, p.Pro1775Gln (NM_001127510.3, NM_001354895.2, NM_001407450.1); c.5270C>A, p.Pro1757Gln (NM_001127511.3); c.5378C>A, p.Pro1793Gln (NM_001354896.2, NM_001407447.1, NM_001407448.1 and 1 more transcripts); c.5354C>A, p.Pro1785Gln (NM_001354897.2); c.5249C>A, p.Pro1750Gln (NM_001354898.2); c.5240C>A, p.Pro1747Gln (NM_001354899.2); c.5201C>A, p.Pro1734Gln (NM_001354900.2); c.5147C>A, p.Pro1716Gln (NM_001354901.2, NM_001407453.1); and 11 more; short protein forms P1692Q, P1716Q, P1734Q, P1747Q, P1757Q, P1674Q, P1775Q, P1803Q.
Identifiers: ClinVar variation 5024286 (VCV005024286.1).